The following is an entry in ClinVar:

NM_000742.4(CHRNA2):c.294+116T>C

Gene: CHRNA2 (cholinergic receptor nicotinic alpha 2 subunit; minus strand). Cytogenetic location: 8p21.2.
Variant type: single nucleotide variant.
Coding change: c.294+116T>C on transcript NM_000742.4 (MANE Select); 116 bases into the intron after coding-DNA position 294, T replaced by C.
Molecular consequence: intron variant.
Genome position (GRCh38, 1-based): chr8:27,469,645, A>G on the plus strand (T>C on the coding strand, the complement: CHRNA2 is on the minus strand). VCF-style: chr8-27469645-A-G. GRCh37 (hg19) VCF-style: chr8-27327162-A-G.
Other names: c.-179+161T>C (NM_001347705.2); c.249+161T>C (NM_001282455.2); c.-168+116T>C (NM_001347708.2); c.-179+116T>C (NM_001347706.2); c.-165+161T>C (NM_001347707.2).
Identifiers: ClinVar variation 1201552 (VCV001201552.27), dbSNP rs185419685, ClinGen allele CA174247171.
Genomic context (GRCh38, chr8:27,469,645, plus strand): 5'-AGCTCCAGAGCTGGGAGAGGGGAGAGCGTAGCCGCCCTGGGAAGAGCCATCCCCAACCCC[A>G]CCCCAAGTCACTGCTGTGCGTGAGGGCAGGGCTGGGGTAGAGGAAGGAGCAGGGGGAAAG-3'

ClinVar aggregate classification (germline): Benign/Likely benign. Review status: criteria provided, multiple submitters, no conflicts (2 of 4 stars). 2 submissions from 2 submitters: Benign (1); Likely benign (1). Last evaluated 2022-10-01.

Allele frequency attached by ClinVar (database versions not stated): 1000 Genomes Project 0.00379; gnomAD 0.00391 and 0.00407; TOPMed 0.00401; 1000 Genomes Project 30x 0.00422.
gnomAD v4.1: 1,299 of 1,338,652 alleles (0.097%); highest among the groups gnomAD compares: African/African-American, 1.4%; 7 homozygotes.

Submissions (2):

CeGaT Center for Human Genetics Tuebingen
Classification: Benign. Last evaluated: 2022-10-01. Review status: criteria provided, single submitter. Criteria: CeGaT Center For Human Genetics Tuebingen Variant Classification Criteria Version 2. Collection method: clinical testing. Allele origin: germline. Affected: yes. Observed: 2 variant alleles.
Comment: CHRNA2: BS1, BS2

GeneDx
Classification: Likely benign. Last evaluated: 2018-07-15. Review status: criteria provided, single submitter. Criteria: GeneDx Variant Classification Process June 2021. Collection method: clinical testing. Allele origin: germline. Affected: yes.